The following is an entry in ClinVar:

NM_018116.4(MSTO1):c.716C>A (p.Ser239Tyr)

Gene: MSTO1 (misato mitochondrial distribution and morphology regulator 1; plus strand). Cytogenetic location: 1q22.
Variant type: single nucleotide variant.
Coding change: c.716C>A on transcript NM_018116.4 (MANE Select); coding-DNA position 716, C replaced by A.
Protein change: p.Ser239Tyr; replaces serine 239 with tyrosine.
Molecular consequence: missense variant. On other transcripts: non-coding transcript variant (6).
Genome position (GRCh38, 1-based): chr1:155,612,219, C>A. VCF-style: chr1-155612219-C-A. GRCh37 (hg19) VCF-style: chr1-155582010-C-A.
Other names: c.716C>A, p.Ser239Tyr (NM_001256532.1, NM_001256533.1, NM_001350772.1 and 3 more transcripts); c.551C>A, p.Ser184Tyr (NM_001350776.1); c.185C>A, p.Ser62Tyr (NM_001350777.1, NM_001350778.1, NM_001350779.1); c.182C>A, p.Ser61Tyr (NM_001350780.1, NM_001350781.1, NM_001350782.1 and 3 more transcripts); c.173C>A, p.Ser58Tyr (NM_001350784.1, NM_001350785.1, NM_001350787.1 and 1 more transcripts); c.716C>A (NM_018116.2); short protein forms S184Y, S239Y, S58Y, S61Y, S62Y.
Identifiers: ClinVar variation 1710255 (VCV001710255.6), dbSNP rs764871960, ClinGen allele CA1147993.

ClinVar aggregate classification (germline): Conflicting classifications of pathogenicity. Review status: criteria provided, conflicting classifications (1 of 4 stars). 4 submissions from 4 submitters: Likely pathogenic (1); Uncertain significance (2). 1 of the submissions does not count toward it. Last evaluated 2025-01-07.

Conditions:
Isolated cerebellar hypoplasia/agenesis (CHEGDD). Also called: Cerebellar hypoplasia/atrophy, epilepsy, and global developmental delay. Identifiers: Orphanet 1398, Orphanet 2246, MedGen C5231391, MONDO:0008939, OMIM 213000.
Mitochondrial myopathy-cerebellar ataxia-pigmentary retinopathy syndrome. Also called: MYOPATHY, MITOCHONDRIAL, AND ATAXIA. Identifiers: Orphanet 502423, MedGen C4540096, MONDO:0044714, OMIM 617675.
Inborn genetic diseases. Identifiers: MedGen C0950123, MeSH D030342.

Allele frequency attached by ClinVar (database versions not stated): ExAC 0.00001; gnomAD 0.00002; gnomAD exomes 0.00002; TOPMed 0.00002.
gnomAD v4.1: 28 of 1,611,380 alleles (0.0017%); highest among the groups gnomAD compares: Non-Finnish European, 0.0023%; no homozygotes.

Submissions (4):

Ambry Genetics
Classification: Uncertain significance for Inborn genetic diseases. Last evaluated: 2025-01-07. Review status: criteria provided, single submitter. Criteria: Ambry Variant Classification Scheme 2023. Collection method: clinical testing. Allele origin: germline.
Comment: The c.716C>A (p.S239Y) alteration is located in exon 8 (coding exon 8) of the MSTO1 gene. This alteration results from a C to A substitution at nucleotide position 716, causing the serine (S) at amino acid position 239 to be replaced by a tyrosine (Y). Based on data from gnomAD, the A allele has an overall frequency of 0.001% (4/280284) total alleles studied. The highest observed frequency was 0.003% (4/128052) of European (non-Finnish) alleles. This amino acid position is well conserved in available vertebrate species. The in silico prediction for this alteration is inconclusive. Based on insufficient or conflicting evidence, the clinical significance of this alteration remains unclear.

Institute of Medical Genetics and Applied Genomics, University Hospital Tübingen
Classification: Likely pathogenic for Mitochondrial myopathy-cerebellar ataxia-pigmentary retinopathy syndrome. Last evaluated: 2024-09-26. Review status: criteria provided, single submitter. Criteria: ACMG Guidelines, 2015. Collection method: clinical testing. Allele origin: germline. Inheritance: Autosomal recessive inheritance. Affected: yes.

Cambridge Genomics Laboratory, East Genomic Laboratory Hub, NHS Genomic Medicine Service
Classification: Uncertain significance for Isolated cerebellar hypoplasia/agenesis. Last evaluated: 2020-04-07. Review status: criteria provided, single submitter. Criteria: ACGS Best Practice Guidelines for Variant Classification in Rare Disease 2020. Collection method: clinical testing. Allele origin: germline. Affected: yes. Observed: 1 variant allele.

Clinical Genetics Laboratory, University Hospital Schleswig-Holstein
Classification: Uncertain significance for Mitochondrial myopathy-cerebellar ataxia-pigmentary retinopathy syndrome. Last evaluated: 2022-05-02. Review status: no assertion criteria provided. Collection method: clinical testing. Allele origin: germline. Affected: yes. Not counted in ClinVar's aggregate classification.